The following is an entry in ClinVar:

NM_024740.2(ALG9):c.1174-19T>G

Gene: ALG9 (ALG9 alpha-1,2-mannosyltransferase; minus strand). Cytogenetic location: 11q23.1.
Variant type: single nucleotide variant.
Coding change: c.1174-19T>G on transcript NM_024740.2 (MANE Select); 19 bases into the intron before coding-DNA position 1174, T replaced by G.
Molecular consequence: intron variant.
Genome position (GRCh38, 1-based): chr11:111,838,418, A>C on the plus strand (T>G on the coding strand, the complement: ALG9 is on the minus strand). VCF-style: chr11-111838418-A-C. GRCh37 (hg19) VCF-style: chr11-111709141-A-C.
Other names: c.661-40T>G (NM_001352409.1, NM_001352410.1, NM_001352412.2 and 6 more transcripts); c.1051-40T>G (NM_001352418.1); c.1174-40T>G (NM_001352417.1, NM_001077690.1); c.661-19T>G (NM_001352413.1, NM_001352414.2, NM_001077691.2 and 1 more transcripts); c.586-40T>G (NM_001352422.2); c.538-40T>G (NM_001352423.2).
Identifiers: ClinVar variation 1957063 (VCV001957063.5), dbSNP rs2496969500, ClinGen allele CA2580083510.
Genomic context (GRCh38, chr11:111,838,418, plus strand): 5'-AAACACAAAGTGGTAACATTTCTGGAAGTACAGAAAACTGTGCTGATAAAAGAAAATATA[A>C]TTTGTAGAATATACATAATTACAAGACATCACAGTAACATCAAGAGCGAAGCCAAAAAAG-3'

ClinVar aggregate classification (germline): Uncertain significance (1 of 4 stars; one submission).

Conditions:
ALG9 congenital disorder of glycosylation (CDG1L). Also called: ALG9-CDG; CDG Il; CONGENITAL DISORDER OF GLYCOSYLATION, TYPE Il. Identifiers: Orphanet 79328, MedGen C2931006, MONDO:0012117, OMIM 608776.

Submission:

Labcorp Genetics (formerly Invitae), Labcorp
Classification: Uncertain significance for ALG9 congenital disorder of glycosylation. Last evaluated: 2022-08-09. Review status: criteria provided, single submitter. Criteria: Invitae Variant Classification Sherloc (09022015). Collection method: clinical testing. Allele origin: germline.
Comment: In summary, the available evidence is currently insufficient to determine the role of this variant in disease. Therefore, it has been classified as a Variant of Uncertain Significance. Algorithms developed to predict the effect of sequence changes on RNA splicing suggest that this variant may disrupt the consensus splice site. This variant has not been reported in the literature in individuals affected with ALG9-related conditions. This variant is not present in population databases (gnomAD no frequency). This sequence change falls in intron 10 of the ALG9 gene. It does not directly change the encoded amino acid sequence of the ALG9 protein.